The following is an entry in ClinVar:

ClinVar aggregate classification (germline): Likely benign. Review status: criteria provided, multiple submitters, no conflicts (2 of 4 stars). 6 submissions from 6 submitters: Likely benign (5). 1 of the submissions does not count toward it. Last evaluated 2026-04-01.

Conditions:
Developmental and epileptic encephalopathy, 54. Also called: HNRNPU-Related Neurodevelopmental Disorder; Epileptic encephalopathy, early infantile, 54. Identifiers: MedGen C4479319, MONDO:0033363, OMIM 617391.
HNRNPU-related disorder. Also called: HNRNPU-related condition.
Inborn genetic diseases. Identifiers: MedGen C0950123, MeSH D030342.

Allele frequency attached by ClinVar (database versions not stated): gnomAD 0.00013; gnomAD exomes 0.00015 and 0.00017; TOPMed 0.00016; ExAC 0.00017.
gnomAD v4.1: 231 of 1,563,742 alleles (0.015%); highest among the groups gnomAD compares: Non-Finnish European, 0.018%; no homozygotes.

Submissions (6):

CeGaT Center for Human Genetics Tuebingen
Classification: Likely benign. Last evaluated: 2026-04-01. Review status: criteria provided, single submitter. Criteria: CeGaT Center For Human Genetics Tuebingen Variant Classification Criteria Version 2. Collection method: clinical testing. Allele origin: germline. Affected: yes. Observed: 13 variant alleles.
Comment: HNRNPU: BP4, BP7

Labcorp Genetics (formerly Invitae), Labcorp
Classification: Likely benign for Developmental and epileptic encephalopathy, 54. Last evaluated: 2026-01-19. Review status: criteria provided, single submitter. Criteria: Invitae Variant Classification Sherloc (09022015). Collection method: clinical testing. Allele origin: germline.

Blueprint Genetics
Classification: Likely benign. Last evaluated: 2024-10-16. Review status: criteria provided, single submitter. Criteria: ACMG Guidelines, 2015. Collection method: clinical testing. Allele origin: germline.

GeneDx
Classification: Likely benign. Last evaluated: 2021-02-08. Review status: criteria provided, single submitter. Criteria: GeneDx Variant Classification Process June 2021. Collection method: clinical testing. Allele origin: germline. Affected: yes.

Ambry Genetics
Classification: Likely benign for Inborn genetic diseases. Last evaluated: 2016-04-14. Review status: criteria provided, single submitter. Criteria: Ambry Variant Classification Scheme 2023. Collection method: clinical testing. Allele origin: germline.

PreventionGenetics, part of Exact Sciences
Classification: Likely benign for HNRNPU-related condition. Last evaluated: 2020-12-04. Review status: no assertion criteria provided. Collection method: clinical testing. Allele origin: germline. Not counted in ClinVar's aggregate classification.
Comment: This variant is classified as likely benign based on ACMG/AMP sequence variant interpretation guidelines (Richards et al. 2015 PMID: 25741868, with internal and published modifications).

NM_031844.3(HNRNPU):c.621G>A (p.Gln207=)

Gene: HNRNPU (heterogeneous nuclear ribonucleoprotein U; minus strand). Cytogenetic location: 1q44.
Variant type: single nucleotide variant.
Coding change: c.621G>A on transcript NM_031844.3 (MANE Select); coding-DNA position 621, G replaced by A.
Protein change: p.Gln207=; no amino-acid change (glutamine 207 retained).
Molecular consequence: synonymous variant.
Genome position (GRCh38, 1-based): chr1:244,863,687, C>T on the plus strand (G>A on the coding strand, the complement: HNRNPU is on the minus strand). VCF-style: chr1-244863687-C-T. GRCh37 (hg19) VCF-style: chr1-245026989-C-T.
Other names: c.621G>A, p.Gln207= (NM_004501.3).
Identifiers: ClinVar variation 446402 (VCV000446402.51), dbSNP rs759528610, ClinGen allele CA1486765.